The following is an entry in ClinVar:

ClinVar aggregate classification (germline): Uncertain significance. Review status: criteria provided, multiple submitters, no conflicts (2 of 4 stars). 2 submissions from 2 submitters: Uncertain significance (2). Last evaluated 2024-12-07.

Conditions:
Inborn genetic diseases. Identifiers: MedGen C0950123, MeSH D030342.

Allele frequency attached by ClinVar (database versions not stated): gnomAD 0.00003 and 0.00004; TOPMed 0.00006; ExAC 0.00008; gnomAD exomes 0.00009.
gnomAD v4.1: 33 of 1,611,156 alleles (0.002%); highest among the groups gnomAD compares: Admixed American, 0.05%; no homozygotes.

Submissions (2):

Ambry Genetics
Classification: Uncertain significance for Inborn genetic diseases. Last evaluated: 2024-12-07. Review status: criteria provided, single submitter. Criteria: Ambry Variant Classification Scheme 2023. Collection method: clinical testing. Allele origin: germline.

Labcorp Genetics (formerly Invitae), Labcorp
Classification: Uncertain significance. Last evaluated: 2022-10-24. Review status: criteria provided, single submitter. Criteria: Invitae Variant Classification Sherloc (09022015). Collection method: clinical testing. Allele origin: germline.
Comment: This sequence change replaces threonine, which is neutral and polar, with serine, which is neutral and polar, at codon 1558 of the KIAA1549 protein (p.Thr1558Ser). This variant is present in population databases (rs775905372, gnomAD 0.06%). This variant has not been reported in the literature in individuals affected with KIAA1549-related conditions. ClinVar contains an entry for this variant (Variation ID: 1488350). Algorithms developed to predict the effect of missense changes on protein structure and function are either unavailable or do not agree on the potential impact of this missense change (SIFT: "Tolerated"; PolyPhen-2: "Probably Damaging"; Align-GVGD: "Class C0"). Algorithms developed to predict the effect of sequence changes on RNA splicing suggest that this variant may create or strengthen a splice site. In summary, the available evidence is currently insufficient to determine the role of this variant in disease. Therefore, it has been classified as a Variant of Uncertain Significance.

NM_001164665.2(KIAA1549):c.4673C>G (p.Thr1558Ser)

Gene: KIAA1549 (KIAA1549; minus strand). Cytogenetic location: 7q34.
Variant type: single nucleotide variant.
Coding change: c.4673C>G on transcript NM_001164665.2 (MANE Select); coding-DNA position 4673, C replaced by G.
Protein change: p.Thr1558Ser; replaces threonine 1558 with serine.
Molecular consequence: missense variant.
Genome position (GRCh38, 1-based): chr7:138,869,640, G>C on the plus strand (C>G on the coding strand, the complement: KIAA1549 is on the minus strand). VCF-style: chr7-138869640-G-C. GRCh37 (hg19) VCF-style: chr7-138554386-G-C.
Other names: c.4673C>G, p.Thr1558Ser (NM_020910.3); c.4673C>G (NM_001164665.1); short protein forms T1558S.
Identifiers: ClinVar variation 1488350 (VCV001488350.6), dbSNP rs775905372, ClinGen allele CA4505800.
Genomic context (GRCh38, chr7:138,869,640, plus strand): 5'-GGGTCCAGGATCTTGTCGATCTGCATCTGTGCCCTGCGGTACACCCGGTGTCGCTCCTTA[G>C]TGTCGCCCGAGGACAGGTCGTCTACCACCGGGAACTCGTAGTGCCCGCGGCGCTTGGCGC-3'
Protein context (NP_001158137.1, residues 1548-1568): PVVDDLSSGD[Thr1558Ser]KERHRVYRRA